The following is an entry in ClinVar:

ClinVar aggregate classification (germline): Conflicting classifications of pathogenicity. Review status: criteria provided, conflicting classifications (1 of 4 stars). 3 submissions from 3 submitters: Uncertain significance (2); Likely benign (1). Last evaluated 2025-05-22.

Conditions:
Cardiovascular phenotype. Identifiers: MedGen CN230736.
RASopathy. Also called: rasopathies; Noonan spectrum disorder. Identifiers: Orphanet 536391, MedGen C5555857, MONDO:0021060.

Allele frequency attached by ClinVar (database versions not stated): gnomAD exomes below 0.00001.
gnomAD v4.1: 1 of 1,613,148 alleles (0.000062%); highest among the groups gnomAD compares: Non-Finnish European, 0.000085%; no homozygotes.

Submissions (3):

Labcorp Genetics (formerly Invitae), Labcorp
Classification: Uncertain significance for RASopathy. Last evaluated: 2025-05-22. Review status: criteria provided, single submitter. Criteria: Invitae Variant Classification Sherloc (09022015). Collection method: clinical testing. Allele origin: germline.
Comment: This sequence change affects codon 408 of the PTPN11 mRNA. It is a 'silent' change, meaning that it does not change the encoded amino acid sequence of the PTPN11 protein. It affects a nucleotide within the consensus splice site. This variant is not present in population databases (gnomAD no frequency). This variant has not been reported in the literature in individuals affected with PTPN11-related conditions. ClinVar contains an entry for this variant (Variation ID: 1703113). Algorithms developed to predict the effect of sequence changes on RNA splicing suggest that this variant is not likely to affect RNA splicing. In summary, the available evidence is currently insufficient to determine the role of this variant in disease. Therefore, it has been classified as a Variant of Uncertain Significance.

Ambry Genetics
Classification: Likely benign for Cardiovascular phenotype. Last evaluated: 2024-05-20. Review status: criteria provided, single submitter. Criteria: Ambry Variant Classification Scheme 2023. Collection method: clinical testing. Allele origin: germline.

Greenwood Genetic Center Diagnostic Laboratories, Greenwood Genetic Center
Classification: Uncertain significance. Last evaluated: 2022-06-15. Review status: criteria provided, single submitter. Criteria: ACMG Guidelines, 2015. Collection method: clinical testing. Allele origin: germline. Affected: yes.
Comment: PM2

NM_002834.5(PTPN11):c.1224A>G (p.Gln408=)

Gene: PTPN11 (protein tyrosine phosphatase non-receptor type 11; plus strand). Cytogenetic location: 12q24.13.
Variant type: single nucleotide variant.
Coding change: c.1224A>G on transcript NM_002834.5 (MANE Select); coding-DNA position 1224, A replaced by G.
Protein change: p.Gln408=; no amino-acid change (glutamine 408 retained).
Molecular consequence: synonymous variant.
Genome position (GRCh38, 1-based): chr12:112,482,205, A>G. VCF-style: chr12-112482205-A-G. GRCh37 (hg19) VCF-style: chr12-112920009-A-G.
Other names: c.1224A>G, p.Gln408= (NM_001330437.2, NM_080601.3); c.1221A>G, p.Gln407= (NM_001374625.1).
Identifiers: ClinVar variation 1703113 (VCV001703113.6), dbSNP rs2540457229, ClinGen allele CA481880226.